The following is an entry in ClinVar:

ClinVar aggregate classification (germline): Likely benign (1 of 4 stars; one submission).

gnomAD v4.1: 13 of 1,614,082 alleles (0.00081%); highest among the groups gnomAD compares: East Asian, 0.0022%; no homozygotes.

Submission:

CeGaT Center for Human Genetics Tuebingen
Classification: Likely benign. Last evaluated: 2025-11-01. Review status: criteria provided, single submitter. Criteria: CeGaT Center For Human Genetics Tuebingen Variant Classification Criteria Version 2. Collection method: clinical testing. Allele origin: germline. Affected: yes. Observed: 1 variant allele.
Comment: SRRM2: BP4

NM_016333.4(SRRM2):c.6280C>T (p.Pro2094Ser)

Gene: SRRM2 (serine/arginine repetitive matrix 2; plus strand). Cytogenetic location: 16p13.3.
Variant type: single nucleotide variant.
Coding change: c.6280C>T on transcript NM_016333.4 (MANE Select); coding-DNA position 6280, C replaced by T.
Protein change: p.Pro2094Ser; replaces proline 2094 with serine.
Molecular consequence: missense variant.
Genome position (GRCh38, 1-based): chr16:2,766,808, C>T. VCF-style: chr16-2766808-C-T. GRCh37 (hg19) VCF-style: chr16-2816809-C-T.
Other names: short protein forms P2094S.
Identifiers: ClinVar variation 4534557 (VCV004534557.6).
Genomic context (GRCh38, chr16:2,766,808, plus strand): 5'-GCCATCCGCAGGCGTTCTGCATCTGGAAGTAGTTCTGATCGTTCACGATCTGCTACTCCT[C>T]CAGCAACAAGAAATCATTCTGGTTCACGGACACCTCCAGTAGCACTCAACAGTTCCAGAA-3'
Protein context (NP_057417.3, residues 2084-2104): SSDRSRSATP[Pro2094Ser]ATRNHSGSRT